The following is an entry in ClinVar:

ClinVar aggregate classification (germline): Uncertain significance (1 of 4 stars; one submission).

Conditions:
Hereditary cancer-predisposing syndrome. Also called: Hereditary neoplastic syndrome; Neoplastic Syndromes, Hereditary; Tumor predisposition; Hereditary Cancer Syndrome. Identifiers: Orphanet 140162, MedGen C0027672, MeSH D009386, MONDO:0015356.

gnomAD v4.1: 1 of 1,613,956 alleles (0.000062%); highest among the groups gnomAD compares: Non-Finnish European, 0.000085%; no homozygotes.

Submission:

Ambry Genetics
Classification: Uncertain significance for Hereditary cancer-predisposing syndrome. Last evaluated: 2025-07-10. Review status: criteria provided, single submitter. Criteria: Ambry Variant Classification Scheme 2023. Collection method: clinical testing. Allele origin: germline.
Comment: The p.T1840A variant (also known as c.5518A>G), located in coding exon 40 of the POLE gene, results from an A to G substitution at nucleotide position 5518. The threonine at codon 1840 is replaced by alanine, an amino acid with similar properties. This amino acid position is conserved. In addition, this alteration is predicted to be tolerated by in silico analysis. Based on the available evidence, the clinical significance of this variant remains unclear.

NM_006231.4(POLE):c.5518A>G (p.Thr1840Ala)

Gene: POLE (DNA polymerase epsilon, catalytic subunit; minus strand). Cytogenetic location: 12q24.33.
Variant type: single nucleotide variant.
Coding change: c.5518A>G on transcript NM_006231.4 (MANE Select); coding-DNA position 5518, A replaced by G.
Protein change: p.Thr1840Ala; replaces threonine 1840 with alanine.
Molecular consequence: missense variant.
Genome position (GRCh38, 1-based): chr12:132,639,159, T>C on the plus strand (A>G on the coding strand, the complement: POLE is on the minus strand). VCF-style: chr12-132639159-T-C. GRCh37 (hg19) VCF-style: chr12-133215745-T-C.
Other names: short protein forms T1840A.
Identifiers: ClinVar variation 4141157 (VCV004141157.1).